The following is an entry in ClinVar:

NM_001457.4(FLNB):c.3350A>G (p.His1117Arg)

Gene: FLNB (filamin B; plus strand). Cytogenetic location: 3p14.3.
Variant type: single nucleotide variant.
Coding change: c.3350A>G on transcript NM_001457.4 (MANE Select); coding-DNA position 3350, A replaced by G.
Protein change: p.His1117Arg; replaces histidine 1117 with arginine.
Molecular consequence: missense variant.
Genome position (GRCh38, 1-based): chr3:58,123,316, A>G. VCF-style: chr3-58123316-A-G. GRCh37 (hg19) VCF-style: chr3-58109043-A-G.
Other names: c.3350A>G, p.His1117Arg (NM_001164317.2, NM_001164318.2, NM_001164319.2); short protein forms H1117R.
Identifiers: ClinVar variation 902267 (VCV000902267.8), dbSNP rs779765790, ClinGen allele CA2468393.

ClinVar aggregate classification (germline): Uncertain significance. Review status: criteria provided, multiple submitters, no conflicts (2 of 4 stars). 3 submissions from 3 submitters: Uncertain significance (3). Last evaluated 2023-11-27.

Conditions:
FLNB-Related Spectrum Disorders.
Atelosteogenesis type I. Also called: GIANT CELL CHONDRODYSPLASIA; SPONDYLOHUMEROFEMORAL HYPOPLASIA; Atelosteogenesis Type 1 (FLNB-AO1). Identifiers: Orphanet 1190, MedGen C0265283, MONDO:0007167, OMIM 108720.
Boomerang dysplasia. Identifiers: Orphanet 1263, MedGen C0432201, MONDO:0007208, OMIM 112310.
Larsen syndrome (LRS). Also called: Bilateral dislocation of the knees, pes cavus, cylindrically shaped fingers and characteristic facies; Larsen syndrome (FLNB-LS). Identifiers: Orphanet 503, MedGen C0175778, MONDO:0007875, OMIM 150250. Disease mechanism: loss of function.
Atelosteogenesis type III. Also called: Atelosteogenesis Type 3 (FLNB-AO3). Identifiers: Orphanet 56305, MedGen C3668942, MONDO:0007168, OMIM 108721.
Spondylocarpotarsal synostosis syndrome (SCT). Also called: Synspondylism congenital; Scoliosis, congenital with unilateral unsegmented bar; SPONDYLOCARPOTARSAL SYNDROME; VERTEBRAL FUSION WITH CARPAL COALITION; Spondylocarpotarsal Synostosis Syndrome (FLNB-SCT). Identifiers: Orphanet 3275, MedGen C1848934, MONDO:0010094, OMIM 272460.

Allele frequency attached by ClinVar (database versions not stated): gnomAD exomes below 0.00001 and 0.00001; gnomAD 0.00001; TOPMed 0.00001; ExAC 0.00002.
gnomAD v4.1: 9 of 1,614,054 alleles (0.00056%); highest among the groups gnomAD compares: Admixed American, 0.005%; no homozygotes.

Submissions (3):

Labcorp Genetics (formerly Invitae), Labcorp
Classification: Uncertain significance. Last evaluated: 2023-11-27. Review status: criteria provided, single submitter. Criteria: Invitae Variant Classification Sherloc (09022015). Collection method: clinical testing. Allele origin: germline.
Comment: This sequence change replaces histidine, which is basic and polar, with arginine, which is basic and polar, at codon 1117 of the FLNB protein (p.His1117Arg). This variant is present in population databases (rs779765790, gnomAD 0.003%). This variant has not been reported in the literature in individuals affected with FLNB-related conditions. ClinVar contains an entry for this variant (Variation ID: 902267). Advanced modeling of protein sequence and biophysical properties (such as structural, functional, and spatial information, amino acid conservation, physicochemical variation, residue mobility, and thermodynamic stability) performed at Invitae indicates that this missense variant is not expected to disrupt FLNB protein function with a negative predictive value of 95%. In summary, the available evidence is currently insufficient to determine the role of this variant in disease. Therefore, it has been classified as a Variant of Uncertain Significance.

Fulgent Genetics
Classification: Uncertain significance for Atelosteogenesis type I; Atelosteogenesis type III; Boomerang dysplasia; Larsen syndrome; Spondylocarpotarsal synostosis syndrome. Last evaluated: 2021-10-08. Review status: criteria provided, single submitter. Criteria: ACMG Guidelines, 2015. Collection method: clinical testing. Allele origin: unknown.

Illumina Laboratory Services, Illumina
Classification: Uncertain significance for FLNB-Related Spectrum Disorders. Last evaluated: 2018-01-13. Review status: criteria provided, single submitter. Criteria: ICSL Variant Classification Criteria 13 December 2019. Collection method: clinical testing. Allele origin: germline.